The following is an entry in ClinVar:

NM_176869.3(PPA2):c.13del (p.Leu5fs)

Gene: PPA2 (inorganic pyrophosphatase 2; minus strand). Cytogenetic location: 4q24.
Variant type: Deletion.
Coding change: c.13del on transcript NM_176869.3 (MANE Select); coding-DNA position 13, one base deleted (C; older notation c.13delC).
Protein change: p.Leu5fs; shifts the reading frame from leucine 5.
Molecular consequence: frameshift variant.
Genome position (GRCh38, 1-based): chr4:105,474,038, G deleted on the plus strand (C on the coding strand, the reverse complement: PPA2 is on the minus strand). VCF-style (leftmost placement, unchanged base first): chr4-105474037-AG-A. GRCh37 (hg19) VCF-style: chr4-106395194-AG-A.
Other names: c.13del, p.Leu5fs (NM_006903.4, NM_176866.2, NM_176867.3); short protein forms L5fs.
Identifiers: ClinVar variation 1464528 (VCV001464528.6), dbSNP rs2110340264, ClinGen allele CA2573137910.
Genomic context (GRCh38, chr4:105,474,037, plus strand): 5'-CCTGCACTGGTCCCCAACCGCAGGCACGCAGCGGCTGGGGCACCCGTGCGCAGCAGCCGC[AG>A]CAGCGCGCTCATGGCGTCAATGACGGTCCTGCTGTGCGCGCGGAGCTACCTGGGGGCTCG-3'

ClinVar aggregate classification (germline): Uncertain significance (1 of 4 stars; one submission).

Allele frequency attached by ClinVar (database versions not stated): gnomAD exomes below 0.00001.

Submission:

Labcorp Genetics (formerly Invitae), Labcorp
Classification: Uncertain significance. Last evaluated: 2022-08-09. Review status: criteria provided, single submitter. Criteria: Invitae Variant Classification Sherloc (09022015). Collection method: clinical testing. Allele origin: germline.
Comment: This sequence change creates a premature translational stop signal (p.Leu5Cysfs*51) in the PPA2 gene. It is expected to result in an absent or disrupted protein product. However, the current clinical and genetic evidence is not sufficient to establish whether loss-of-function variants in PPA2 cause disease. This variant is not present in population databases (gnomAD no frequency). This variant has not been reported in the literature in individuals affected with PPA2-related conditions. ClinVar contains an entry for this variant (Variation ID: 1464528). In summary, the available evidence is currently insufficient to determine the role of this variant in disease. Therefore, it has been classified as a Variant of Uncertain Significance.